The following is an entry in ClinVar:

ClinVar aggregate classification (germline): Uncertain significance (1 of 4 stars; one submission).

gnomAD v4.1: 1 of 1,614,102 alleles (0.000062%); highest among the groups gnomAD compares: Non-Finnish European, 0.000085%; no homozygotes.

Submission:

Women's Health and Genetics/Laboratory Corporation of America, LabCorp
Classification: Uncertain significance. Last evaluated: 2024-07-01. Review status: criteria provided, single submitter. Criteria: LabCorp Variant Classification Summary - May 2015. Collection method: clinical testing. Allele origin: germline.
Comment: Variant summary: KANSL1 c.2393-5T>C alters a non-conserved nucleotide located close to a canonical splice site and therefore could affect mRNA splicing, leading to a significantly altered protein sequence. Consensus agreement among computation tools predict no significant impact on normal splicing. However, these predictions have yet to be confirmed by functional studies. The variant was absent in 250894 control chromosomes. The available data on variant occurrences in the general population are insufficient to allow any conclusion about variant significance. To our knowledge, no occurrence of c.2393-5T>C in individuals affected with Koolen-De Vries Syndrome and no experimental evidence demonstrating its impact on protein function have been reported. No submitters have cited clinical-significance assessments for this variant to ClinVar. Based on the evidence outlined above, the variant was classified as uncertain significance.

NM_015443.4(KANSL1):c.2393-5T>C

Gene: KANSL1 (KAT8 regulatory NSL complex subunit 1). Cytogenetic location: 17q21.31.
Variant type: single nucleotide variant.
Coding change: c.2393-5T>C on transcript NM_015443.4 (MANE Select); 5 bases into the intron before coding-DNA position 2393, T replaced by C.
Molecular consequence: intron variant.
Genome position (GRCh38, 1-based): chr17:46,038,691, A>G on the plus strand (T>C on the coding strand, the complement: KANSL1 is on the minus strand). VCF-style: chr17-46038691-A-G. GRCh37 (hg19) VCF-style: chr17-44116057-A-G.
Other names: c.938-5T>C (NM_001405885.1, NM_001405884.1); c.1127-5T>C (NM_001405883.1, NM_001405882.1); c.2291-5T>C (NM_001405881.1, NM_001405861.1, NM_001405859.1 and 1 more transcripts); c.2204-5T>C (NM_001405879.1, NM_001405875.1, NM_001405878.1 and 3 more transcripts); c.2393-5T>C (NM_001193465.2, NM_001405872.1, NM_001379198.1 and 8 more transcripts).
Identifiers: ClinVar variation 3339245 (VCV003339245.1).
Genomic context (GRCh38, chr17:46,038,691, plus strand): 5'-ATGGTGGGTGGCTGCCAAGTAGCTCGAACTGCTCATGTCTGTGTGATGCTTCAACACTGC[A>G]GAAGTCAACAGAAAAGAGAGAAATACATGGCTATCTTAACCAGCGTTACTTCTAACACAA-3'